The following is an entry in ClinVar:

ClinVar aggregate classification (germline): Conflicting classifications of pathogenicity. Review status: criteria provided, conflicting classifications (1 of 4 stars). 6 submissions from 6 submitters: Uncertain significance (1); Benign (1); Likely benign (3). 1 of the submissions does not count toward it. Last evaluated 2026-02-01.

Conditions:
DNAJC21-related disorder. Also called: DNAJC21-related condition.
Bone marrow failure syndrome 3 (BMFS3). Identifiers: MedGen C4310744, MONDO:0014887, OMIM 617052.

Allele frequency attached by ClinVar (database versions not stated): gnomAD exomes 0.00009 and 0.00020; ExAC 0.00028; 1000 Genomes Project 0.00040; 1000 Genomes Project 30x 0.00047; gnomAD 0.00094 and 0.00102; TOPMed 0.00095; ESP Exome Variant Server 0.00115.
gnomAD v4.1: 265 of 1,611,214 alleles (0.016%); highest among the groups gnomAD compares: African/African-American, 0.34%; no homozygotes.

Submissions (6):

Labcorp Genetics (formerly Invitae), Labcorp
Classification: Benign. Last evaluated: 2026-02-01. Review status: criteria provided, single submitter. Criteria: Invitae Variant Classification Sherloc (09022015). Collection method: clinical testing. Allele origin: germline.

Women's Health and Genetics/Laboratory Corporation of America, LabCorp
Classification: Likely benign. Last evaluated: 2026-01-23. Review status: criteria provided, single submitter. Criteria: LabCorp Variant Classification Summary - May 2015. Collection method: clinical testing. Allele origin: germline.

Blueprint Genetics
Classification: Likely benign. Last evaluated: 2024-06-11. Review status: criteria provided, single submitter. Criteria: ACMG Guidelines, 2015. Collection method: clinical testing. Allele origin: germline.

ARUP Laboratories, Molecular Genetics and Genomics, ARUP Laboratories
Classification: Likely benign for Bone marrow failure syndrome 3. Last evaluated: 2023-12-11. Review status: criteria provided, single submitter. Criteria: ARUP Molecular Germline Variant Investigation Process 2024. Collection method: clinical testing. Allele origin: germline.

Center for Genomics, Ann and Robert H. Lurie Children's Hospital of Chicago
Classification: Uncertain significance for Bone marrow failure syndrome 3. Last evaluated: 2022-10-10. Review status: criteria provided, single submitter. Criteria: ACMG Guidelines, 2015. Collection method: clinical testing. Allele origin: germline.
Comment: This variant has not been reported in the literature but is present in the Genome Aggregation Database (Highest reported MAF: 0.3% [137/41442]), and in ClinVar (Variation ID: 1164684). Although this variant occurs in the splice region, computational prediction tools do not suggest that it alters splicing. However, further studies are needed to understand its impact. In summary, data on this variant is insufficient for disease classification. Therefore, the clinical significance of this variant is uncertain.

PreventionGenetics, part of Exact Sciences
Classification: Likely benign for DNAJC21-related condition. Last evaluated: 2019-07-01. Review status: no assertion criteria provided. Collection method: clinical testing. Allele origin: germline. Not counted in ClinVar's aggregate classification.
Comment: This variant is classified as likely benign based on ACMG/AMP sequence variant interpretation guidelines (Richards et al. 2015 PMID: 25741868, with internal and published modifications).

NM_001012339.3(DNAJC21):c.191+10A>G

Gene: DNAJC21 (DnaJ heat shock protein family (Hsp40) member C21; plus strand). Cytogenetic location: 5p13.2.
Variant type: single nucleotide variant.
Coding change: c.191+10A>G on transcript NM_001012339.3 (MANE Select); 10 bases into the intron after coding-DNA position 191, A replaced by G.
Molecular consequence: intron variant.
Genome position (GRCh38, 1-based): chr5:34,933,918, A>G. VCF-style: chr5-34933918-A-G. GRCh37 (hg19) VCF-style: chr5-34934023-A-G.
Other names: c.191+10A>G (NM_001348420.2, NM_194283.4, NM_001012339.2).
Identifiers: ClinVar variation 1164684 (VCV001164684.15), dbSNP rs368399096, ClinGen allele CA3228354.